The following is an entry in ClinVar:

ClinVar aggregate classification (germline): Conflicting classifications of pathogenicity. Review status: criteria provided, conflicting classifications (1 of 4 stars). 2 submissions from 2 submitters: Uncertain significance (1); Likely benign (1). Last evaluated 2025-02-26.

Conditions:
Pancreatic adenocarcinoma. Identifiers: MedGen C0281361, MONDO:0006047, HP:0006725.

Allele frequency attached by ClinVar (database versions not stated): gnomAD exomes 0.00003.

Submissions (2):

Ambry Genetics
Classification: Likely benign. Last evaluated: 2025-02-26. Review status: criteria provided, single submitter. Criteria: Ambry Variant Classification Scheme 2023. Collection method: clinical testing. Allele origin: germline.

Labcorp Genetics (formerly Invitae), Labcorp
Classification: Uncertain significance for Pancreatic adenocarcinoma. Last evaluated: 2024-03-16. Review status: criteria provided, single submitter. Criteria: Invitae Variant Classification Sherloc (09022015). Collection method: clinical testing. Allele origin: germline.
Comment: This sequence change replaces serine, which is neutral and polar, with proline, which is neutral and non-polar, at codon 87 of the PALLD protein (p.Ser87Pro). The frequency data for this variant in the population databases is considered unreliable, as metrics indicate poor data quality at this position in the gnomAD database. This variant has not been reported in the literature in individuals affected with PALLD-related conditions. ClinVar contains an entry for this variant (Variation ID: 1045446). Algorithms developed to predict the effect of missense changes on protein structure and function output the following: SIFT: "Not Available"; PolyPhen-2: "Benign"; Align-GVGD: "Not Available". The proline amino acid residue is found in multiple mammalian species, which suggests that this missense change does not adversely affect protein function. In summary, the available evidence is currently insufficient to determine the role of this variant in disease. Therefore, it has been classified as a Variant of Uncertain Significance.

NM_001166108.2(PALLD):c.1965-12772T>C

Gene: PALLD (palladin, cytoskeletal associated protein; plus strand). Cytogenetic location: 4q32.3.
Variant type: single nucleotide variant.
Coding change: c.1965-12772T>C on transcript NM_001166108.2 (MANE Select); 12772 bases into the intron before coding-DNA position 1965, T replaced by C.
Molecular consequence: intron variant. On other transcripts: missense variant (1).
Genome position (GRCh38, 1-based): chr4:168,878,150, T>C. VCF-style: chr4-168878150-T-C. GRCh37 (hg19) VCF-style: chr4-169799301-T-C.
Other names: c.259T>C (NM_001166110.1); c.259T>C, p.Ser87Pro (NM_001166110.2); c.1965-12772T>C (NM_016081.4); c.819-12772T>C (NM_001166109.2); c.-157-12772T>C (NM_001367570.1, NM_001367568.1, NM_001367567.1 and 1 more transcripts); short protein forms S87P.
Identifiers: ClinVar variation 1045446 (VCV001045446.13), dbSNP rs1161219308, ClinGen allele CA358795838.